The following is an entry in ClinVar:

ClinVar aggregate classification (germline): Likely pathogenic. Review status: criteria provided, multiple submitters, no conflicts (2 of 4 stars). 3 submissions from 3 submitters: Likely pathogenic (3). Last evaluated 2023-06-05.

Conditions:
Bardet-Biedl syndrome (BBS). Identifiers: Orphanet 110, MedGen C0752166, MONDO:0015229.
Bardet-Biedl syndrome 4 (BBS4). Identifiers: Orphanet 110, MedGen C2936864, MONDO:0014433, OMIM 615982.

Submissions (3):

Labcorp Genetics (formerly Invitae), Labcorp
Classification: Likely pathogenic for Bardet-Biedl syndrome. Last evaluated: 2023-06-05. Review status: criteria provided, single submitter. Criteria: Invitae Variant Classification Sherloc (09022015). Collection method: clinical testing. Allele origin: germline.
Comment: This sequence change affects a donor splice site in intron 11 of the BBS4 gene. It is expected to disrupt RNA splicing. Variants that disrupt the donor or acceptor splice site typically lead to a loss of protein function (PMID: 16199547), and loss-of-function variants in BBS4 are known to be pathogenic (PMID: 11381270, 12016587, 20177705, 27894351). This variant is not present in population databases (gnomAD no frequency). This variant has not been reported in the literature in individuals affected with BBS4-related conditions. Algorithms developed to predict the effect of sequence changes on RNA splicing suggest that this variant may disrupt the consensus splice site. In summary, the currently available evidence indicates that the variant is pathogenic, but additional data are needed to prove that conclusively. Therefore, this variant has been classified as Likely Pathogenic.

Baylor Genetics
Classification: Likely pathogenic for Bardet-Biedl syndrome 4. Last evaluated: 2023-03-22. Review status: criteria provided, single submitter. Criteria: ACMG Guidelines, 2015. Collection method: clinical testing. Allele origin: unknown.

Juno Genomics, Hangzhou Juno Genomics, Inc
Classification: Likely pathogenic for Bardet-Biedl syndrome 4. Review status: criteria provided, single submitter. Criteria: ACMG Guidelines, 2015. Collection method: clinical testing. Allele origin: germline. Affected: yes.
Comment: Absent from controls (or at extremely low frequency if recessive) in Genome Aggregation Database, Exome Sequencing Project, 1000 Genomes Project, or Exome Aggregation Consortium.;Null variant in a gene where loss of function (LOF) is a known mechanism of disease.

Literature cited by the submitters: PubMed 16199547 (cited by Labcorp Genetics (formerly Invitae), Labcorp); PubMed 11381270 (cited by Labcorp Genetics (formerly Invitae), Labcorp); PubMed 12016587 (cited by Labcorp Genetics (formerly Invitae), Labcorp); PubMed 20177705 (cited by Labcorp Genetics (formerly Invitae), Labcorp); PubMed 27894351 (cited by Labcorp Genetics (formerly Invitae), Labcorp).

NM_033028.5(BBS4):c.864+1G>A

Gene: BBS4 (Bardet-Biedl syndrome 4; plus strand). Cytogenetic location: 15q24.1.
Variant type: single nucleotide variant.
Coding change: c.864+1G>A on transcript NM_033028.5 (MANE Select); the canonical splice donor site of the intron after coding-DNA position 864, G replaced by A.
Molecular consequence: splice donor variant.
Genome position (GRCh38, 1-based): chr15:72,731,458, G>A. VCF-style: chr15-72731458-G-A. GRCh37 (hg19) VCF-style: chr15-73023799-G-A.
Other names: c.795+1G>A (NM_001320665.2); c.348+1G>A (NM_001252678.2).
Identifiers: ClinVar variation 2680048 (VCV002680048.5), dbSNP rs2151047618, ClinGen allele CA393078709.
Genomic context (GRCh38, chr15:72,731,458, plus strand): 5'-AGTCCTCCACTCTGGAATAACATTGGAATGTGTTTCTTTGGCAAGAAGAAATATGTGGCG[G>A]TGAGTGTCCCCTCATGTTCTTTGTTTGTATTTCTACATGTGGTTATTGGGTCTGTTTAGC-3'